The following is an entry in ClinVar:

NM_002067.5(GNA11):c.736-6C>T

Gene: GNA11 (G protein subunit alpha 11; plus strand). Cytogenetic location: 19p13.3.
Variant type: single nucleotide variant.
Coding change: c.736-6C>T on transcript NM_002067.5 (MANE Select); 6 bases into the intron before coding-DNA position 736, C replaced by T.
Molecular consequence: intron variant.
Genome position (GRCh38, 1-based): chr19:3,119,200, C>T. VCF-style: chr19-3119200-C-T. GRCh37 (hg19) VCF-style: chr19-3119198-C-T.
Other names: p.?.
Identifiers: ClinVar variation 790432 (VCV000790432.45), dbSNP rs116848044, ClinGen allele CA9075008.
Genomic context (GRCh38, chr19:3,119,200, plus strand): 5'-GCTGCCCCTTGGGCTGTGTGCAGTGGGGAGGGCCCCTCTGATTCCCTCTGCCTTCGCTCC[C>T]GCCAGAACCGGATGGAGGAGAGCAAAGCCCTGTTCCGGACCATCATCACCTACCCCTGGT-3'

ClinVar aggregate classification (germline): Benign/Likely benign. Review status: criteria provided, multiple submitters, no conflicts (2 of 4 stars). 7 submissions from 7 submitters: Benign (4); Likely benign (3). Last evaluated 2026-07-01.

Allele frequency attached by ClinVar (database versions not stated): gnomAD 0.00944 and 0.00980; gnomAD exomes 0.00971 and 0.01094; ExAC 0.00981; ESP Exome Variant Server 0.01076; 1000 Genomes Project 30x 0.00312; 1000 Genomes Project 0.00339; TOPMed 0.00724.

Submissions (7):

CeGaT Center for Human Genetics Tuebingen
Classification: Benign. Last evaluated: 2026-07-01. Review status: criteria provided, single submitter. Criteria: CeGaT Center For Human Genetics Tuebingen Variant Classification Criteria Version 2. Collection method: clinical testing. Allele origin: germline. Affected: yes. Observed: 21 variant alleles.
Comment: GNA11: BP4, BS1, BS2

Labcorp Genetics (formerly Invitae), Labcorp
Classification: Benign. Last evaluated: 2026-02-04. Review status: criteria provided, single submitter. Criteria: Invitae Variant Classification Sherloc (09022015). Collection method: clinical testing. Allele origin: germline.

Center for Genomic Medicine, Rigshospitalet, Copenhagen University Hospital
Classification: Benign. Last evaluated: 2025-03-04. Review status: criteria provided, single submitter. Criteria: ACMG Guidelines, 2015. Collection method: clinical testing. Allele origin: germline.

Blueprint Genetics
Classification: Likely benign. Last evaluated: 2024-11-27. Review status: criteria provided, single submitter. Criteria: ACMG Guidelines, 2015. Collection method: clinical testing. Allele origin: germline.

Mayo Clinic Laboratories, Mayo Clinic
Classification: Benign. Last evaluated: 2023-11-03. Review status: criteria provided, single submitter. Criteria: ACMG Guidelines, 2015. Collection method: clinical testing. Allele origin: germline. Observed: 3 variant alleles.
Comment: BS1, BS2, BP4, BP7

GeneDx
Classification: Likely benign. Last evaluated: 2021-02-19. Review status: criteria provided, single submitter. Criteria: GeneDx Variant Classification Process June 2021. Collection method: clinical testing. Allele origin: germline. Affected: yes.

Breakthrough Genomics
Classification: Likely benign. Review status: criteria provided, single submitter. Criteria: ACMG Guidelines, 2015. Collection method: not provided. Allele origin: germline. Inheritance: Autosomal dominant inheritance. Affected: yes.